The following is an entry in ClinVar:

NM_199420.4(POLQ):c.4291A>C (p.Lys1431Gln)

Gene: POLQ (DNA polymerase theta; minus strand). Cytogenetic location: 3q13.33.
Variant type: single nucleotide variant.
Coding change: c.4291A>C on transcript NM_199420.4 (MANE Select); coding-DNA position 4291, A replaced by C.
Protein change: p.Lys1431Gln; replaces lysine 1431 with glutamine.
Molecular consequence: missense variant.
Genome position (GRCh38, 1-based): chr3:121,488,640, T>G on the plus strand (A>C on the coding strand, the complement: POLQ is on the minus strand). VCF-style: chr3-121488640-T-G. GRCh37 (hg19) VCF-style: chr3-121207487-T-G.
Other names: short protein forms K1431Q.
Identifiers: ClinVar variation 1739441 (VCV001739441.2), dbSNP rs759953849, ClinGen allele CA354095470.

ClinVar aggregate classification (germline): Uncertain significance (1 of 4 stars; one submission).

gnomAD v4.1: 1 of 1,601,816 alleles (0.000062%); highest among the groups gnomAD compares: Non-Finnish European, 0.000085%; no homozygotes.

Submission:

Ambry Genetics
Classification: Uncertain significance. Last evaluated: 2022-05-10. Review status: criteria provided, single submitter. Criteria: Ambry Variant Classification Scheme 2023. Collection method: clinical testing. Allele origin: germline.
Comment: The p.K1431Q variant (also known as c.4291A>C), located in coding exon 16 of the POLQ gene, results from an A to C substitution at nucleotide position 4291. The lysine at codon 1431 is replaced by glutamine, an amino acid with similar properties. This amino acid position is conserved. In addition, this alteration is predicted to be tolerated by in silico analysis. Since supporting evidence is limited at this time, the clinical significance of this alteration remains unclear.